The following is an entry in ClinVar:

NM_003041.4(SLC5A2):c.404G>C (p.Gly135Ala)

Gene: SLC5A2 (solute carrier family 5 member 2; plus strand). Cytogenetic location: 16p11.2.
Variant type: single nucleotide variant.
Coding change: c.404G>C on transcript NM_003041.4 (MANE Select); coding-DNA position 404, G replaced by C.
Protein change: p.Gly135Ala; replaces glycine 135 with alanine.
Molecular consequence: missense variant. On other transcripts: non-coding transcript variant (1).
Genome position (GRCh38, 1-based): chr16:31,485,829, G>C. VCF-style: chr16-31485829-G-C. GRCh37 (hg19) VCF-style: chr16-31497150-G-C.
Other names: short protein forms G135A.
Identifiers: ClinVar variation 3731427 (VCV003731427.1).
Genomic context (GRCh38, chr16:31,485,829, plus strand): 5'-CCGTGTACCTGACAGCGGGGGTCATCACGATGCCACAGTACCTGCGCAAGCGCTTCGGCG[G>C]CCGCCGCATCCGCCTCTACCTGTCTGTGCTCTCCCTTTTCCTGTACATCTTCACCAAGAT-3'
Protein context (NP_003032.1, residues 125-145): MPQYLRKRFG[Gly135Ala]RRIRLYLSVL

ClinVar aggregate classification (germline): Uncertain significance (1 of 4 stars; one submission).

Conditions:
Familial renal glucosuria (GLYS). Also called: Familial renal glycosuria; RENAL GLUCOSURIA, AUTOSOMAL DOMINANT. Identifiers: Orphanet 69076, MedGen C3245525, MONDO:0009297, OMIM 233100.

Submission:

Neuberg Centre For Genomic Medicine, NCGM
Classification: Uncertain significance for Familial renal glucosuria. Last evaluated: 2023-06-22. Review status: criteria provided, single submitter. Criteria: ACMG Guidelines, 2015. Collection method: clinical testing. Allele origin: germline. Inheritance: Autosomal dominant inheritance. Affected: yes.
Comment: The missense variant c.404G>C (p.Gly135Ala) in the SLC5A2 gene has not been reported previously as a pathogenic variant nor as a benign variant, to our knowledge. This variant is absent in the gnomAD Exomes. The amino acid Gly at position 135 is changed to a Ala changing protein sequence and it might alter its composition and physico-chemical properties. Multiple lines of computational evidence (Polyphen - Damaging, SIFT - Damaging and MutationTaster - Disease causing) predict a damaging effect on protein structure and function for this variant. The amino acid change p.Gly135Ala in SLC5A2 is predicted as conserved by GERP++ and PhyloP across 100 vertebrates. For these reasons, this variant has been classified as Uncertain Significance